The following is an entry in ClinVar:

ClinVar aggregate classification (germline): Conflicting classifications of pathogenicity. Review status: criteria provided, conflicting classifications (1 of 4 stars). 5 submissions from 5 submitters: Uncertain significance (1); Benign (1); Likely benign (3). Last evaluated 2025-12-19.

Conditions:
Inborn genetic diseases. Identifiers: MedGen C0950123, MeSH D030342.
Erythrocytosis, familial, 4 (ECYT4). Identifiers: Orphanet 247511, MedGen C2673187, MONDO:0012729, OMIM 611783.

Allele frequency attached by ClinVar (database versions not stated): gnomAD exomes 0.00028; ExAC 0.00030; ESP Exome Variant Server 0.00031; TOPMed 0.00040; gnomAD 0.00042 and 0.00045.
gnomAD v4.1: 859 of 1,614,072 alleles (0.053%); highest among the groups gnomAD compares: Non-Finnish European, 0.07%; no homozygotes.

Submissions (5):

Labcorp Genetics (formerly Invitae), Labcorp
Classification: Likely benign. Last evaluated: 2025-12-19. Review status: criteria provided, single submitter. Criteria: Invitae Variant Classification Sherloc (09022015). Collection method: clinical testing. Allele origin: germline.

CeGaT Center for Human Genetics Tuebingen
Classification: Likely benign. Last evaluated: 2025-07-01. Review status: criteria provided, single submitter. Criteria: CeGaT Center For Human Genetics Tuebingen Variant Classification Criteria Version 2. Collection method: clinical testing. Allele origin: germline. Affected: yes. Observed: 1 variant allele.
Comment: EPAS1: BS2

Ambry Genetics
Classification: Likely benign for Inborn genetic diseases. Last evaluated: 2022-09-04. Review status: criteria provided, single submitter. Criteria: Ambry Variant Classification Scheme 2023. Collection method: clinical testing. Allele origin: germline.

Department of Pathology and Laboratory Medicine, Sinai Health System
Classification: Uncertain significance for Erythrocytosis, familial, 4. Last evaluated: 2020-08-10. Review status: criteria provided, single submitter. Criteria: ACMG Guidelines, 2015. Collection method: research. Allele origin: germline.

Illumina Laboratory Services, Illumina
Classification: Benign for Erythrocytosis, familial, 4. Last evaluated: 2018-01-12. Review status: criteria provided, single submitter. Criteria: ICSL Variant Classification Criteria 13 December 2019. Collection method: clinical testing. Allele origin: germline.
Comment: This variant was observed in the ICSL laboratory as part of a predisposition screen in an ostensibly healthy population. It had not been previously curated by ICSL or reported in the Human Gene Mutation Database (HGMD: prior to June 1st, 2018), and was therefore a candidate for classification through an automated scoring system. Utilizing variant allele frequency, disease prevalence and penetrance estimates, and inheritance mode, an automated score was calculated to assess if this variant is too frequent to cause the disease. Based on the score and internal cut-off values, a variant classified as benign is not then subjected to further curation. The score for this variant resulted in a classification of benign for this disease.

NM_001430.5(EPAS1):c.146C>A (p.Ser49Tyr)

Gene: EPAS1 (endothelial PAS domain protein 1; plus strand). Cytogenetic location: 2p21.
Variant type: single nucleotide variant.
Coding change: c.146C>A on transcript NM_001430.5 (MANE Select); coding-DNA position 146, C replaced by A.
Protein change: p.Ser49Tyr; replaces serine 49 with tyrosine.
Molecular consequence: missense variant.
Genome position (GRCh38, 1-based): chr2:46,346,992, C>A. VCF-style: chr2-46346992-C-A. GRCh37 (hg19) VCF-style: chr2-46574131-C-A.
Other names: short protein forms S49Y.
Identifiers: ClinVar variation 336235 (VCV000336235.18), dbSNP rs149898744, ClinGen allele CA1644482.